The following is an entry in ClinVar:

ClinVar aggregate classification (germline): Uncertain significance (1 of 4 stars; one submission).

Allele frequency attached by ClinVar (database versions not stated): gnomAD exomes 0.00002; TOPMed 0.00002; ExAC 0.00003; gnomAD 0.00004.

Submission:

Labcorp Genetics (formerly Invitae), Labcorp
Classification: Uncertain significance. Last evaluated: 2024-08-21. Review status: criteria provided, single submitter. Criteria: Invitae Variant Classification Sherloc (09022015). Collection method: clinical testing. Allele origin: germline.
Comment: This sequence change replaces arginine, which is basic and polar, with cysteine, which is neutral and slightly polar, at codon 482 of the NIN protein (p.Arg482Cys). This variant is present in population databases (rs199695824, gnomAD 0.03%). This variant has not been reported in the literature in individuals affected with NIN-related conditions. ClinVar contains an entry for this variant (Variation ID: 1904453). An algorithm developed to predict the effect of missense changes on protein structure and function (PolyPhen-2) suggests that this variant is likely to be disruptive. In summary, the available evidence is currently insufficient to determine the role of this variant in disease. Therefore, it has been classified as a Variant of Uncertain Significance.

NM_020921.4(NIN):c.1444C>T (p.Arg482Cys)

Gene: NIN (ninein; minus strand). Cytogenetic location: 14q22.1.
Variant type: single nucleotide variant.
Coding change: c.1444C>T on transcript NM_020921.4 (MANE Select); coding-DNA position 1444, C replaced by T.
Protein change: p.Arg482Cys; replaces arginine 482 with cysteine.
Molecular consequence: missense variant.
Genome position (GRCh38, 1-based): chr14:50,766,881, G>A on the plus strand (C>T on the coding strand, the complement: NIN is on the minus strand). VCF-style: chr14-50766881-G-A. GRCh37 (hg19) VCF-style: chr14-51233599-G-A.
Other names: c.1444C>T, p.Arg482Cys (NM_016350.5, NM_182944.3, NM_182946.2); short protein forms R482C.
Identifiers: ClinVar variation 1904453 (VCV001904453.5), dbSNP rs199695824, ClinGen allele CA7182187.